The following is an entry in ClinVar:

ClinVar aggregate classification (germline): Uncertain significance (0 of 4 stars; one submission).

Conditions:
Autosomal dominant Parkinson disease 8. Also called: LRRK2-Related Parkinson Disease; Parkinson disease 8; Parkinson disease 8, susceptibility to. Identifiers: Orphanet 411602, MedGen C1846862, MONDO:0011764, OMIM 607060.

Allele frequency attached by ClinVar (database versions not stated): gnomAD 0.99953 and 0.99954; gnomAD exomes 0.99973; TOPMed 0.99968; ExAC 0.99969.

Submission:

GeneReviews
Classification: Uncertain significance for LRRK2-Related Parkinson Disease. Last evaluated: 2012-09-13. Review status: no assertion criteria provided. Collection method: curation. Allele origin: unknown.
ClinVar note: Converted during submission from unknown to Uncertain significance.

NM_198578.4(LRRK2):c.1383= (p.Ser461=)

Gene: LRRK2 (leucine rich repeat kinase 2; plus strand). Cytogenetic location: 12q12.
Variant type: single nucleotide variant.
Coding change: c.1383= on transcript NM_198578.4 (MANE Select); coding-DNA position 1383, no change from the reference sequence.
Protein change: p.Ser461=; no amino-acid change (serine 461 retained).
Molecular consequence: no sequence alteration.
Genome position: GRCh38 VCF-style: chr12-40257342-T-T. GRCh37 (hg19) VCF-style: chr12-40651144-T-T.
Identifiers: ClinVar variation 39132 (VCV000039132.4), dbSNP rs35847451.
Genomic context (GRCh38, chr12:40,257,342, plus strand): 5'-ACACCTGAATGTTTTGGAGTTAATGCAGAAGCATATACATTCTCCTGAAGTGGCTGAAAG[T=]GGCTGTAAAATGCTAAATCATCTTTTTGAAGGAAGGTAATATAGATTCATTAACTTGTAC-3'
Protein context (NP_940980.4, residues 451-471): KHIHSPEVAE[Ser461=]GCKMLNHLFE